The following is an entry in ClinVar:

ClinVar aggregate classification (germline): Uncertain significance. Review status: criteria provided, multiple submitters, no conflicts (2 of 4 stars). 3 submissions from 3 submitters: Uncertain significance (3). Last evaluated 2026-06-11.

Conditions:
PKD1L1-related disorder. Also called: PKD1L1-related condition.

Allele frequency attached by ClinVar (database versions not stated): TOPMed 0.00013; ExAC 0.00014; gnomAD 0.00023; 1000 Genomes Project 0.00040; 1000 Genomes Project 30x 0.00047.
gnomAD v4.1: 223 of 1,614,156 alleles (0.014%); highest among the groups gnomAD compares: Admixed American, 0.075%; no homozygotes.

Submissions (3):

PreventionGenetics, part of Exact Sciences
Classification: Uncertain significance for PKD1L1-related condition. Last evaluated: 2026-06-11. Review status: criteria provided, single submitter. Criteria: ACMG Guidelines, 2015. Collection method: clinical testing. Allele origin: germline.
Comment: The PKD1L1 c.4408C>T variant is predicted to result in the amino acid substitution p.Arg1470Trp. To our knowledge, this variant has not been reported in the literature. This variant is reported in 0.056% of alleles in individuals of Latino descent in gnomAD, which may be too high to support this variant being a primary cause of disease. Although we suspect this variant is benign, at this time, the clinical significance of this variant is uncertain due to the absence of conclusive functional and genetic evidence.

Women's Health and Genetics/Laboratory Corporation of America, LabCorp
Classification: Uncertain significance. Last evaluated: 2026-04-29. Review status: criteria provided, single submitter. Criteria: LabCorp Variant Classification Summary - May 2015. Collection method: clinical testing. Allele origin: germline.
Comment: Variant summary: PKD1L1 c.4408C>T (p.Arg1470Trp) results in a non-conservative amino acid change in the encoded protein sequence. Algorithms developed to predict the effect of missense changes on protein structure and function are either unavailable or do not agree on the potential impact of this missense change. The variant allele was found at a frequency of 0.0002 in 251428 control chromosomes. This frequency is not significantly higher than estimated for disease-causing variants in PKD1L1, allowing no conclusion about variant significance. To our knowledge, no occurrence of c.4408C>T in individuals affected with PKD1L1-related conditions and no experimental evidence demonstrating its impact on protein function have been reported. ClinVar contains an entry for this variant (Variation ID: 3058250). Based on the evidence outlined above, the variant was classified as uncertain significance.

GeneDx
Classification: Uncertain significance. Last evaluated: 2024-07-30. Review status: criteria provided, single submitter. Criteria: GeneDx Variant Classification Process June 2021. Collection method: clinical testing. Allele origin: germline. Affected: yes.
Comment: In silico analysis indicates that this missense variant does not alter protein structure/function; Has not been previously published as pathogenic or benign to our knowledge

NM_138295.5(PKD1L1):c.4408C>T (p.Arg1470Trp)

Gene: PKD1L1 (polycystin 1 like 1, transient receptor potential channel interacting; minus strand). Cytogenetic location: 7p12.3.
Variant type: single nucleotide variant.
Coding change: c.4408C>T on transcript NM_138295.5 (MANE Select); coding-DNA position 4408, C replaced by T.
Protein change: p.Arg1470Trp; replaces arginine 1470 with tryptophan.
Molecular consequence: missense variant.
Genome position (GRCh38, 1-based): chr7:47,857,787, G>A on the plus strand (C>T on the coding strand, the complement: PKD1L1 is on the minus strand). VCF-style: chr7-47857787-G-A. GRCh37 (hg19) VCF-style: chr7-47897385-G-A.
Other names: short protein forms R1470W.
Identifiers: ClinVar variation 3058250 (VCV003058250.5), dbSNP rs199549399, ClinGen allele CA4253114.